The following is an entry in ClinVar:

ClinVar aggregate classification (germline): Uncertain significance (1 of 4 stars; one submission).

Conditions:
Familial hypocalciuric hypercalcemia (FHH). Also called: Familial benign hypercalcemia. Identifiers: Orphanet 405, MedGen C1809471, MONDO:0018458.
Autosomal dominant hypocalcemia 1 (HYPOC1). Also called: HYPOCALCEMIA, FAMILIAL. Identifiers: MedGen C3715128, MONDO:0011013, OMIM 601198.

Submission:

Labcorp Genetics (formerly Invitae), Labcorp
Classification: Uncertain significance for Familial hypocalciuric hypercalcemia; Autosomal dominant hypocalcemia 1. Last evaluated: 2022-10-09. Review status: criteria provided, single submitter. Criteria: Invitae Variant Classification Sherloc (09022015). Collection method: clinical testing. Allele origin: germline.
Comment: ClinVar contains an entry for this variant (Variation ID: 1369888). In summary, the available evidence is currently insufficient to determine the role of this variant in disease. Therefore, it has been classified as a Variant of Uncertain Significance. Algorithms developed to predict the effect of missense changes on protein structure and function are either unavailable or do not agree on the potential impact of this missense change (SIFT: "Deleterious"; PolyPhen-2: "Probably Damaging"; Align-GVGD: "Class C0"). This variant has not been reported in the literature in individuals affected with CASR-related conditions. This variant is not present in population databases (gnomAD no frequency). This sequence change replaces asparagine, which is neutral and polar, with histidine, which is basic and polar, at codon 189 of the CASR protein (p.Asn189His).

NM_000388.4(CASR):c.565A>C (p.Asn189His)

Gene: CASR (calcium sensing receptor; plus strand). Cytogenetic location: 3q21.1.
Variant type: single nucleotide variant.
Coding change: c.565A>C on transcript NM_000388.4 (MANE Select); coding-DNA position 565, A replaced by C.
Protein change: p.Asn189His; replaces asparagine 189 with histidine.
Molecular consequence: missense variant.
Genome position (GRCh38, 1-based): chr3:122,261,600, A>C. VCF-style: chr3-122261600-A-C. GRCh37 (hg19) VCF-style: chr3-121980447-A-C.
Other names: c.565A>C, p.Asn189His (NM_001178065.2); short protein forms N189H.
Identifiers: ClinVar variation 1369888 (VCV001369888.8), dbSNP rs2107631843, ClinGen allele CA354150855.